The following is an entry in ClinVar:

ClinVar aggregate classification (germline): Uncertain significance (1 of 4 stars; one submission).

Conditions:
Epileptic encephalopathy. Identifiers: MedGen C0543888, HP:0200134.

Allele frequency attached by ClinVar (database versions not stated): gnomAD exomes 0.00003; gnomAD 0.00001 and 0.00002; TOPMed 0.00001.
gnomAD v4.1: 39 of 1,613,248 alleles (0.0024%); highest among the groups gnomAD compares: Middle Eastern, 0.033%; no homozygotes.

Submission:

Labcorp Genetics (formerly Invitae), Labcorp
Classification: Uncertain significance for Epileptic encephalopathy. Last evaluated: 2022-11-28. Review status: criteria provided, single submitter. Criteria: Invitae Variant Classification Sherloc (09022015). Collection method: clinical testing. Allele origin: germline.
Comment: This sequence change replaces valine, which is neutral and non-polar, with isoleucine, which is neutral and non-polar, at codon 498 of the RYR3 protein (p.Val498Ile). This variant is present in population databases (no rsID available, gnomAD 0.009%). This variant has not been reported in the literature in individuals affected with RYR3-related conditions. ClinVar contains an entry for this variant (Variation ID: 461883). Algorithms developed to predict the effect of missense changes on protein structure and function output the following: SIFT: "Tolerated"; PolyPhen-2: "Benign"; Align-GVGD: "Class C0". The isoleucine amino acid residue is found in multiple mammalian species, which suggests that this missense change does not adversely affect protein function. In summary, the available evidence is currently insufficient to determine the role of this variant in disease. Therefore, it has been classified as a Variant of Uncertain Significance.

NM_001036.6(RYR3):c.1492G>A (p.Val498Ile)

Gene: RYR3 (ryanodine receptor 3; plus strand). Cytogenetic location: 15q14.
Variant type: single nucleotide variant.
Coding change: c.1492G>A on transcript NM_001036.6 (MANE Select); coding-DNA position 1492, G replaced by A.
Protein change: p.Val498Ile; replaces valine 498 with isoleucine.
Molecular consequence: missense variant.
Genome position (GRCh38, 1-based): chr15:33,581,562, G>A. VCF-style: chr15-33581562-G-A. GRCh37 (hg19) VCF-style: chr15-33873763-G-A.
Other names: c.1492G>A, p.Val498Ile (NM_001243996.4); short protein forms V498I.
Identifiers: ClinVar variation 461883 (VCV000461883.10), dbSNP rs1264434931, ClinGen allele CA391569395.